The following is an entry in ClinVar:

NM_015557.3(CHD5):c.3953A>G (p.Asp1318Gly)

Gene: CHD5 (chromodomain helicase DNA binding protein 5; minus strand). Cytogenetic location: 1p36.31.
Variant type: single nucleotide variant.
Coding change: c.3953A>G on transcript NM_015557.3 (MANE Select); coding-DNA position 3953, A replaced by G.
Protein change: p.Asp1318Gly; replaces aspartic acid 1318 with glycine.
Molecular consequence: missense variant.
Genome position (GRCh38, 1-based): chr1:6,126,697, T>C on the plus strand (A>G on the coding strand, the complement: CHD5 is on the minus strand). VCF-style: chr1-6126697-T-C. GRCh37 (hg19) VCF-style: chr1-6186757-T-C.
Other names: short protein forms D1318G.
Identifiers: ClinVar variation 1683961 (VCV001683961.2), dbSNP rs1456459424, ClinGen allele CA338073949.

ClinVar aggregate classification (germline): Uncertain significance (1 of 4 stars; one submission).

Allele frequency attached by ClinVar (database versions not stated): TOPMed 0.00001.

Submission:

GeneDx
Classification: Uncertain significance. Last evaluated: 2022-04-04. Review status: criteria provided, single submitter. Criteria: GeneDx Variant Classification Process June 2021. Collection method: clinical testing. Allele origin: germline. Affected: yes.
Comment: Not observed in large population cohorts (gnomAD); In silico analysis supports that this missense variant has a deleterious effect on protein structure/function; Has not been previously published as pathogenic or benign to our knowledge